The following is an entry in ClinVar:

ClinVar aggregate classification (germline): Pathogenic (1 of 4 stars; one submission).

Conditions:
RAPSN-related disorder. Also called: RAPSN-related condition; RAPSN-related disorders. Identifiers: MedGen CN239397.

Submission:

Myriad Genetics, Inc.
Classification: Pathogenic for RAPSN-related disorder. Last evaluated: 2024-02-15. Review status: criteria provided, single submitter. Criteria: Myriad Autosomal Dominant, Autosomal Recessive and X-Linked Classification Criteria (2023). Collection method: clinical testing. Allele origin: unknown.
Comment: NM_005055.4(RAPSN):c.626_633del8ins1(Q209Lfs*23) is expected to be pathogenic in the context of RAPSN-related disorders. This variant is predicted to lead to an abnormal or absent protein product due to the creation of a premature termination codon in RAPSN, a gene where loss-of-function variants are known to be pathogenic. Please note: this variant was assessed in the context of healthy population screening.

NM_005055.5(RAPSN):c.626_633delinsT (p.Gln209fs)

Gene: RAPSN (receptor associated protein of the synapse; minus strand). Cytogenetic location: 11p11.2.
Variant type: Indel.
Coding change: c.626_633delinsT on transcript NM_005055.5 (MANE Select); coding-DNA positions 626 to 633, AGTACCAC replaced by T.
Protein change: p.Gln209fs; shifts the reading frame from glutamine 209.
Molecular consequence: frameshift variant. On other transcripts: intron variant (4).
Genome position (GRCh38, 1-based): chr11:47,442,713-47,442,720, GTGGTACT replaced by A on the plus strand (AGTACCAC replaced by T on the coding strand, the reverse complement: RAPSN is on the minus strand). VCF-style: chr11-47442713-GTGGTACT-A. GRCh37 (hg19) VCF-style: chr11-47464265-GTGGTACT-A.
Other names: c.626_633delinsT, p.Gln209fs (NM_001440490.1, NM_001440491.1, NM_001440492.1 and 8 more transcripts); c.287_294delinsT, p.Gln96fs (NM_001440504.1); c.532-799_532-792delinsT (NM_001440503.1, NM_001440493.1, NM_001440502.1 and 1 more transcripts); short protein forms Q209fs, Q96fs.
Identifiers: ClinVar variation 5012741 (VCV005012741.1).